The following is an entry in ClinVar:

NM_006005.3(WFS1):c.1999C>T (p.Gln667Ter)

Gene: WFS1 (wolframin ER transmembrane glycoprotein; plus strand). Cytogenetic location: 4p16.1.
Variant type: single nucleotide variant.
Coding change: c.1999C>T on transcript NM_006005.3 (MANE Select); coding-DNA position 1999, C replaced by T.
Protein change: p.Gln667Ter; replaces glutamine 667 with a stop codon.
Molecular consequence: nonsense.
Genome position (GRCh38, 1-based): chr4:6,301,794, C>T. VCF-style: chr4-6301794-C-T. GRCh37 (hg19) VCF-style: chr4-6303521-C-T.
Other names: c.1999C>T, p.Gln667Ter (NM_001145853.1); short protein forms Q667*.
Identifiers: ClinVar variation 598973 (VCV000598973.44), dbSNP rs771409809, ClinGen allele CA2839568.

ClinVar aggregate classification (germline): Pathogenic/Likely pathogenic. Review status: criteria provided, multiple submitters, no conflicts (2 of 4 stars). 6 submissions from 6 submitters: Pathogenic (4); Likely pathogenic (2). Last evaluated 2025-04-23.

Conditions:
Inborn genetic diseases. Identifiers: MedGen C0950123, MeSH D030342.
Cataract 41 (CTRCT41). Also called: CATARACT 41, CONGENITAL NUCLEAR TYPE. Identifiers: Orphanet 91492, Orphanet 98991, Orphanet 98992, Orphanet 98995, MedGen C3805412, MONDO:0007287, OMIM 116400.
Autosomal dominant nonsyndromic hearing loss 6 (LFSNHL). Also called: DEAFNESS, AUTOSOMAL DOMINANT 14; DEAFNESS, AUTOSOMAL DOMINANT 38; Autosomal dominant nonsyndromic deafness 6; DEAFNESS, AUTOSOMAL DOMINANT 6. Identifiers: Orphanet 90635, MedGen C1833021, MONDO:0010963, OMIM 600965.
Type 2 diabetes mellitus. Also called: Type II diabetes mellitus. Identifiers: MedGen C0011860, MeSH D003924, MONDO:0005148, OMIM 125853, HP:0005978.
Wolfram-like syndrome. Also called: HEARING LOSS, PROGRESSIVE, WITH OPTIC ATROPHY AND/OR IMPAIRED GLUCOSE REGULATION. Identifiers: Orphanet 411590, MedGen C3280358, MONDO:0013673, OMIM 614296.
Wolfram syndrome 1 (WFS1). Identifiers: Orphanet 3463, MedGen C4551693, MONDO:0009101, OMIM 222300.
WFS1-related disorder. Identifiers: MedGen CN379391, MONDO:0700293.

Allele frequency attached by ClinVar (database versions not stated): TOPMed below 0.00001; gnomAD 0.00001; ExAC 0.00005; gnomAD exomes 0.00006.
gnomAD v4.1: 18 of 1,613,298 alleles (0.0011%); highest among the groups gnomAD compares: East Asian, 0.022%; no homozygotes.

Submissions (6):

Labcorp Genetics (formerly Invitae), Labcorp
Classification: Pathogenic. Last evaluated: 2025-04-23. Review status: criteria provided, single submitter. Criteria: Invitae Variant Classification Sherloc (09022015). Collection method: clinical testing. Allele origin: germline.
Comment: This sequence change creates a premature translational stop signal (p.Gln667*) in the WFS1 gene. While this is not anticipated to result in nonsense mediated decay, it is expected to disrupt the last 224 amino acid(s) of the WFS1 protein. This variant is present in population databases (rs771409809, gnomAD 0.06%). This premature translational stop signal has been observed in individual(s) with Wolfram syndrome (PMID: 10521293). ClinVar contains an entry for this variant (Variation ID: 598973). This variant disrupts a region of the WFS1 protein in which other variant(s) (p.Pro885Leu) have been determined to be pathogenic (PMID: 10521293, 28432734). This suggests that this is a clinically significant region of the protein, and that variants that disrupt it are likely to be disease-causing. For these reasons, this variant has been classified as Pathogenic.

Blueprint Genetics
Classification: Likely pathogenic for WFS1-related disorders. Last evaluated: 2023-10-20. Review status: criteria provided, single submitter. Criteria: ACMG Guidelines, 2015. Collection method: clinical testing. Allele origin: germline. Affected: yes. Observed: 2 variant alleles.

CeGaT Center for Human Genetics Tuebingen
Classification: Likely pathogenic. Last evaluated: 2022-11-01. Review status: criteria provided, single submitter. Criteria: CeGaT Center For Human Genetics Tuebingen Variant Classification Criteria Version 2. Collection method: clinical testing. Allele origin: germline. Affected: yes. Observed: 2 variant alleles.

Ambry Genetics
Classification: Pathogenic for Inborn genetic diseases. Last evaluated: 2021-12-10. Review status: criteria provided, single submitter. Criteria: Ambry Variant Classification Scheme 2023. Collection method: clinical testing. Allele origin: germline.
Comment: The c.1999C>T (p.Q667*) alteration, located in exon 8 (coding exon 7) of the WFS1 gene, consists of a C to T substitution at nucleotide position 1999. This changes the amino acid from a glutamine (Q) to a stop codon at amino acid position 667. This alteration occurs at the 3' terminus of the WFS1 gene, is not expected to trigger nonsense-mediated mRNA decay, and impacts the last 25% (223/890 amino acids) of the protein. However, premature stop codons are typically deleterious in nature and a significant portion of the protein is affected (Ambry internal data). Although biallelic loss of function alterations in WFS1 have been associated with autosomal recessive WFS1-related Wolfram syndrome, haploinsufficiency for WFS1 has not been clearly established as a mechanism of disease for autosomal dominant WFS1-related Wolfram syndrome or autosomal dominant isolated WFS1-related low frequency sensorineural hearing loss. Based on the available evidence, this variant is unlikely to be causative of autosomal dominant WFS1-related Wolfram syndrome and its clinical significance for autosomal dominant isolated WFS1-related low frequency sensorineural hearing loss is unclear; however, it would be expected to be causative of autosomal recessive WFS1-related Wolfram syndrome when present along with a second pathogenic variant on the other allele. Based on data from gnomAD, the T allele has an overall frequency of 0.01% (16/282200) total alleles studied. The highest observed frequency was 0.06% (12/19954) of East Asian alleles. This variant has been reported in the compound heterozygous state with a second alteration in patients with Wolfram syndrome (Hardy, 1999; Cano, 2007; Plantinga, 2008; Mathis, 2011). Based on the available evidence, this alteration is classified as pathogenic.

Center for Personalized Medicine, Children's Hospital Los Angeles
Classification: Pathogenic. Last evaluated: 2018-11-19. Review status: criteria provided, single submitter. Criteria: ACMG Guidelines, 2015. Collection method: clinical testing. Allele origin: germline. Affected: yes.

Juno Genomics, Hangzhou Juno Genomics, Inc
Classification: Pathogenic for Wolfram syndrome 1; Wolfram-like syndrome; Type 2 diabetes mellitus; Cataract 41; Autosomal dominant nonsyndromic hearing loss 6. Review status: criteria provided, single submitter. Criteria: ACMG Guidelines, 2015. Collection method: clinical testing. Allele origin: germline.
Comment: Absent from controls (or at extremely low frequency if recessive) in Genome Aggregation Database.;Null variant in a gene where loss of function (LOF) is a known mechanism of disease.;For recessive disorders, detected in trans with a pathogenic variant.;Co-segregation with disease in multiple affected family members.

Literature cited by the submitters: PubMed 10521293 (cited by Labcorp Genetics (formerly Invitae), Labcorp and Ambry Genetics); PubMed 28432734 (cited by Labcorp Genetics (formerly Invitae), Labcorp); PubMed 17568405 (cited by Ambry Genetics); PubMed 18700423 (cited by Ambry Genetics); PubMed 20888932 (cited by Ambry Genetics).